The following is an entry in ClinVar:

NM_017654.4(SAMD9):c.1244T>C (p.Leu415Pro)

Gene: SAMD9 (sterile alpha motif domain containing 9; minus strand). Cytogenetic location: 7q21.2.
Variant type: single nucleotide variant.
Coding change: c.1244T>C on transcript NM_017654.4 (MANE Select); coding-DNA position 1244, T replaced by C.
Protein change: p.Leu415Pro; replaces leucine 415 with proline.
Molecular consequence: missense variant.
Genome position (GRCh38, 1-based): chr7:93,104,854, A>G on the plus strand (T>C on the coding strand, the complement: SAMD9 is on the minus strand). VCF-style: chr7-93104854-A-G. GRCh37 (hg19) VCF-style: chr7-92734167-A-G.
Other names: c.1244T>C, p.Leu415Pro (NM_001193307.2); short protein forms L415P.
Identifiers: ClinVar variation 4863890 (VCV004863890.1).

ClinVar aggregate classification (germline): Uncertain significance (1 of 4 stars; one submission).

Conditions:
Inborn genetic diseases. Identifiers: MedGen C0950123, MeSH D030342.

Submission:

Ambry Genetics
Classification: Uncertain significance for Inborn genetic diseases. Last evaluated: 2026-06-08. Review status: criteria provided, single submitter. Criteria: Ambry Variant Classification Scheme 2023. Collection method: clinical testing. Allele origin: germline.
Comment: The p.L415P variant (also known as c.1244T>C), located in coding exon 1 of the SAMD9 gene, results from a T to C substitution at nucleotide position 1244. The leucine at codon 415 is replaced by proline, an amino acid with similar properties. This amino acid position is conserved. In addition, the in silico prediction for this alteration is inconclusive. Based on the available evidence, the clinical significance of this variant remains unclear.